The following is an entry in ClinVar:

NM_000500.9(CYP21A2):c.1024C>T (p.Arg342Trp)

Genes: CYP21A2 (cytochrome P450 family 21 subfamily A member 2; plus strand), LOC106780800 (CYP21A2 recombination region; plus strand). Cytogenetic location: 6p21.33.
Variant type: single nucleotide variant.
Coding change: c.1024C>T on transcript NM_000500.9 (MANE Select); coding-DNA position 1024, C replaced by T.
Protein change: p.Arg342Trp; replaces arginine 342 with tryptophan.
Molecular consequence: missense variant.
Genome position (GRCh38, 1-based): chr6:32,040,490, C>T. VCF-style: chr6-32040490-C-T. GRCh37 (hg19) VCF-style: chr6-32008267-C-T.
Other names: c.1024C>T (NM_000500.7); c.934C>T, p.Arg312Trp (NM_001128590.4); c.619C>T, p.Arg207Trp (NM_001368143.2, NM_001368144.2); short protein forms R312W, R207W, R342W.
Identifiers: ClinVar variation 1422248 (VCV001422248.13), dbSNP rs72552755, ClinGen allele CA3732615.

ClinVar aggregate classification (germline): Pathogenic/Likely pathogenic. Review status: criteria provided, multiple submitters, no conflicts (2 of 4 stars). 5 submissions from 5 submitters: Pathogenic (4); Likely pathogenic (1). Last evaluated 2025-08-26.

Conditions:
CYP21A2-related disorder. Also called: CYP21A2-related condition.
21-Hydroxylase-Deficient Congenital Adrenal Hyperplasia. Also called: ADRENAL HYPERPLASIA III; ADRENAL HYPERPLASIA, CONGENITAL, DUE TO 21-HYDROXYLASE DEFICIENCY. Identifiers: MedGen C2936858, OMIM 201910.

Allele frequency attached by ClinVar (database versions not stated): ExAC 0.00005; gnomAD exomes 0.00005.

Submissions (5):

3billion
Classification: Likely pathogenic for 21-Hydroxylase-Deficient Congenital Adrenal Hyperplasia. Last evaluated: 2025-08-26. Review status: criteria provided, single submitter. Criteria: ACMG Guidelines, 2015. Collection method: clinical testing. Allele origin: germline. Affected: yes.
Comment: The variant is observed at an extremely low frequency in the gnomAD v4.1.0 dataset (total allele frequency: 0.003%). Predicted Consequence/Location: Missense variant In silico tool predictions suggest damaging effect of the variant on gene or gene product [3Cnet: 0.99 (> 0.75, sensitivity 0.96 and precision 0.92)]. The same nucleotide change resulting in the same amino acid change has been previously reported as pathogenic/likely pathogenic with strong evidence (ClinVar ID: VCV001422248 /PMID: 9187661). A different missense change at the same codon (p.Arg342Pro) has been reported to be associated with CYP21A2-related disorder (ClinVar ID: VCV003572102 /PMID: 14671153). Therefore, this variant is classified as Likely pathogenic according to the recommendation of ACMG/AMP guideline.

PreventionGenetics, part of Exact Sciences
Classification: Pathogenic for CYP21A2-related condition. Last evaluated: 2024-10-31. Review status: criteria provided, single submitter. Criteria: ACMG Guidelines, 2015. Collection method: clinical testing. Allele origin: germline.
Comment: The CYP21A2 c.1024C>T variant is predicted to result in the amino acid substitution p.Arg342Trp. Also known as R341W in the literature, this variant has been associated with autosomal recessive non-classic congenital adrenal hyperplasia (CAH) likely due to affected strength of P450 oxidoreductase (POR) interactions (see for example, Liu et al. 2018. PubMed ID: 29328376; Haider et al. 2013. PubMed ID: 23359706; Barbaro et al. 2015. PubMed ID: 24953648). This variant is reported in 0.017% of alleles in individuals of Admixed American ancestry group in gnomAD. This variant falls within a highly paralogous region. Allele frequency data should be interpreted with caution. This variant is interpreted as pathogenic.

Labcorp Genetics (formerly Invitae), Labcorp
Classification: Pathogenic. Last evaluated: 2024-02-29. Review status: criteria provided, single submitter. Criteria: Invitae Variant Classification Sherloc (09022015). Collection method: clinical testing. Allele origin: germline.
Comment: This sequence change replaces arginine, which is basic and polar, with tryptophan, which is neutral and slightly polar, at codon 342 of the CYP21A2 protein (p.Arg342Trp). The frequency data for this variant in the population databases (gnomAD) is considered unreliable due to the presence of homologous sequence, such as pseudogenes or paralogs, in the genome. This missense change has been observed in individual(s) with non-classic and simple virilizing congenital adrenal hyperplasia due to 21-hydroxylase deficiency (PMID: 24953648, 29328376). In at least one individual the data is consistent with being in trans (on the opposite chromosome) from a pathogenic variant. It has also been observed to segregate with disease in related individuals. This variant is also known as R341W. ClinVar contains an entry for this variant (Variation ID: 1422248). Advanced modeling of protein sequence and biophysical properties (such as structural, functional, and spatial information, amino acid conservation, physicochemical variation, residue mobility, and thermodynamic stability) performed at Invitae indicates that this missense variant is expected to disrupt CYP21A2 protein function with a positive predictive value of 80%. Experimental studies have shown that this missense change affects CYP21A2 function (PMID: 24953648). For these reasons, this variant has been classified as Pathogenic.

Quest Diagnostics Nichols Institute San Juan Capistrano
Classification: Pathogenic. Last evaluated: 2023-08-04. Review status: criteria provided, single submitter. Criteria: Quest Diagnostics criteria. Collection method: clinical testing. Allele origin: unknown.
Comment: The CYP21A2 c.1024C>T (p.Arg342Trp) variant (also known as R342W or R341W) has been reported in the published literature in individuals affected with nonclassical CAH (PMIDs: 24953648 (2015), 29328376 (2018), 36167262 (2023)). This variant has shown to result in reduced enzymatic activity (PMID: 24953648 (2015)). Based on the available information, this variant is classified as pathogenic.

Blueprint Genetics
Classification: Pathogenic for CYP21A2-related disorders. Last evaluated: 2022-05-30. Review status: criteria provided, single submitter. Criteria: ACMG Guidelines, 2015. Collection method: clinical testing. Allele origin: germline. Affected: yes. Observed: 3 variant alleles.

Literature cited by the submitters: PubMed 9187661 (cited by 3billion); PubMed 14671153 (cited by 3billion); PubMed 24953648 (cited by Labcorp Genetics (formerly Invitae), Labcorp and Quest Diagnostics Nichols Institute San Juan Capistrano); PubMed 29328376 (cited by Labcorp Genetics (formerly Invitae), Labcorp and Quest Diagnostics Nichols Institute San Juan Capistrano); PubMed 36167262 (cited by Quest Diagnostics Nichols Institute San Juan Capistrano); PubMed 28392195 (cited by Quest Diagnostics Nichols Institute San Juan Capistrano); PubMed 23359706 (cited by Quest Diagnostics Nichols Institute San Juan Capistrano).